The following is an entry in ClinVar:

ClinVar aggregate classification (germline): Pathogenic (1 of 4 stars; one submission).

Conditions:
Marfan syndrome (MFS). Also called: MARFAN SYNDROME, TYPE I; Marfan syndrome type 1; Marfan's syndrome; Marfan syndrome, classic; FBN1-Related Marfan Syndrome. Identifiers: Orphanet 284963, Orphanet 558, MedGen C0024796, MONDO:0007947, OMIM 154700.
Familial thoracic aortic aneurysm and aortic dissection (TAAD). Also called: Thoracic aortic aneurysms and dissections. Identifiers: Orphanet 91387, MedGen C4707243, MONDO:0019625.

Submission:

Labcorp Genetics (formerly Invitae), Labcorp
Classification: Pathogenic for Marfan syndrome; Familial thoracic aortic aneurysm and aortic dissection. Last evaluated: 2021-03-24. Review status: criteria provided, single submitter. Criteria: Invitae Variant Classification Sherloc (09022015). Collection method: clinical testing. Allele origin: germline.
Comment: This variant disrupts the p.Cys876 amino acid residue in FBN1. Other variant(s) that disrupt this residue have been observed in individuals with FBN1-related conditions (PMID: 26787436, 28855619), which suggests that this may be a clinically significant amino acid residue. For these reasons, this variant has been classified as Pathogenic. This variant affects a cysteine residue in the EGF-like, TGFBP or hybrid motif domains of FBN1. Cysteine residues are believed to be involved in intramolecular disulfide bridges and have been shown to be important for FBN1 protein structure (PMID: 16905551, 19349279). In addition, missense substitutions affecting cysteine residues within these domains are significantly overrepresented among patients with Marfan syndrome (PMID: 16571647, 17701892). Advanced modeling of protein sequence and biophysical properties (such as structural, functional, and spatial information, amino acid conservation, physicochemical variation, residue mobility, and thermodynamic stability) performed at Invitae indicates that this missense variant is expected to disrupt FBN1 protein function. This variant has not been reported in the literature in individuals with FBN1-related conditions. This variant is not present in population databases (ExAC no frequency). This sequence change replaces cysteine with tryptophan at codon 876 of the FBN1 protein (p.Cys876Trp). The cysteine residue is highly conserved and there is a large physicochemical difference between cysteine and tryptophan.

Literature cited by the submitters: PubMed 26787436; PubMed 28855619; PubMed 16905551; PubMed 19349279; PubMed 16571647; PubMed 17701892.

NM_000138.5(FBN1):c.2628C>G (p.Cys876Trp)

Gene: FBN1 (fibrillin 1; minus strand). Cytogenetic location: 15q21.1.
Variant type: single nucleotide variant.
Coding change: c.2628C>G on transcript NM_000138.5 (MANE Select); coding-DNA position 2628, C replaced by G.
Protein change: p.Cys876Trp; replaces cysteine 876 with tryptophan.
Molecular consequence: missense variant.
Genome position (GRCh38, 1-based): chr15:48,495,172, G>C on the plus strand (C>G on the coding strand, the complement: FBN1 is on the minus strand). VCF-style: chr15-48495172-G-C. GRCh37 (hg19) VCF-style: chr15-48787369-G-C.
Other names: short protein forms C876W.
Identifiers: ClinVar variation 1458475 (VCV001458475.8), dbSNP rs112085967, ClinGen allele CA392332298.